The following is an entry in ClinVar:

ClinVar aggregate classification (germline): Uncertain significance (1 of 4 stars; one submission).

Conditions:
Myofibrillar myopathy 5. Also called: Filaminopathy (type); FILAMINOPATHY, AUTOSOMAL DOMINANT. Identifiers: Orphanet 171445, MedGen C1836050, MONDO:0012289, OMIM 609524.
Hypertrophic cardiomyopathy 26. Also called: Cardiomyopathy, familial hypertrophic, 26. Identifiers: Orphanet 75249, MedGen C4310749, MONDO:0014883, OMIM 617047.
Distal myopathy with posterior leg and anterior hand involvement. Also called: WILLIAMS DISTAL MYOPATHY. Identifiers: Orphanet 63273, MedGen C3279722, MONDO:0013550, OMIM 614065.

Submission:

Labcorp Genetics (formerly Invitae), Labcorp
Classification: Uncertain significance for Distal myopathy with posterior leg and anterior hand involvement; Myofibrillar myopathy 5; Hypertrophic cardiomyopathy 26. Last evaluated: 2022-11-15. Review status: criteria provided, single submitter. Criteria: Invitae Variant Classification Sherloc (09022015). Collection method: clinical testing. Allele origin: germline.
Comment: This sequence change replaces arginine, which is basic and polar, with glycine, which is neutral and non-polar, at codon 1009 of the FLNC protein (p.Arg1009Gly). This variant is not present in population databases (gnomAD no frequency). This variant has not been reported in the literature in individuals affected with FLNC-related conditions. Advanced modeling of protein sequence and biophysical properties (such as structural, functional, and spatial information, amino acid conservation, physicochemical variation, residue mobility, and thermodynamic stability) has been performed at Invitae for this missense variant, however the output from this modeling did not meet the statistical confidence thresholds required to predict the impact of this variant on FLNC protein function. In summary, the available evidence is currently insufficient to determine the role of this variant in disease. Therefore, it has been classified as a Variant of Uncertain Significance.

NM_001458.5(FLNC):c.3025C>G (p.Arg1009Gly)

Gene: FLNC (filamin C; plus strand). Cytogenetic location: 7q32.1.
Variant type: single nucleotide variant.
Coding change: c.3025C>G on transcript NM_001458.5 (MANE Select); coding-DNA position 3025, C replaced by G.
Protein change: p.Arg1009Gly; replaces arginine 1009 with glycine.
Molecular consequence: missense variant.
Genome position (GRCh38, 1-based): chr7:128,844,099, C>G. VCF-style: chr7-128844099-C-G. GRCh37 (hg19) VCF-style: chr7-128484153-C-G.
Other names: c.3025C>G, p.Arg1009Gly (NM_001127487.2); short protein forms R1009G.
Identifiers: ClinVar variation 1943743 (VCV001943743.5), dbSNP rs746542712, ClinGen allele CA369193996.